The following is an entry in ClinVar:

NM_000535.7(PMS2):c.2192T>G (p.Leu731Ter)

Gene: PMS2 (PMS1 homolog 2, mismatch repair system component; minus strand). Cytogenetic location: 7p22.1.
Variant type: single nucleotide variant.
Coding change: c.2192T>G on transcript NM_000535.7 (MANE Select); coding-DNA position 2192, T replaced by G.
Protein change: p.Leu731Ter; replaces leucine 731 with a stop codon.
Molecular consequence: nonsense. On other transcripts: non-coding transcript variant (1).
Genome position (GRCh38, 1-based): chr7:5,978,679, A>C on the plus strand (T>G on the coding strand, the complement: PMS2 is on the minus strand). VCF-style: chr7-5978679-A-C. GRCh37 (hg19) VCF-style: chr7-6018310-A-C.
Other names: c.1787T>G, p.Leu596Ter (NM_001322003.2, NM_001322004.2, NM_001322005.2 and 1 more transcripts); c.2036T>G, p.Leu679Ter (NM_001322006.2); c.1874T>G, p.Leu625Ter (NM_001322007.2, NM_001322008.2); c.1631T>G, p.Leu544Ter (NM_001322010.2); c.1259T>G, p.Leu420Ter (NM_001322011.2, NM_001322012.2); c.1619T>G, p.Leu540Ter (NM_001322013.2); c.2192T>G, p.Leu731Ter (NM_001322014.2); c.1883T>G, p.Leu628Ter (NM_001322015.2); short protein forms L731*, L625*, L628*, L679*, L420*, L540*, L544*, L596*.
Identifiers: ClinVar variation 411015 (VCV000411015.10), dbSNP rs1060503110, ClinGen allele CA16612382.
Genomic context (GRCh38, chr7:5,978,679, plus strand): 5'-AAGCCATTCTTTCTAAATATTTCCAGATTTTCTATCAGAACAGCTTCATTAACAGCAGTT[A>C]AGTTGAGAGTCTGAGGTCTGAAAAACACAAAAATGATTCAAACCATATCCTGAAGTCAAA-3'

ClinVar aggregate classification (germline): Pathogenic. Review status: criteria provided, multiple submitters, no conflicts (2 of 4 stars). 4 submissions from 4 submitters: Pathogenic (4). Last evaluated 2025-09-22.

Conditions:
Hereditary cancer-predisposing syndrome. Also called: Tumor predisposition; Hereditary Cancer Syndrome; Hereditary neoplastic syndrome; Neoplastic Syndromes, Hereditary. Identifiers: Orphanet 140162, MedGen C0027672, MeSH D009386, MONDO:0015356.
Hereditary nonpolyposis colorectal neoplasms. Identifiers: MedGen C0009405, MeSH D003123.
Lynch syndrome 4 (LYNCH4). Also called: Colorectal cancer, hereditary nonpolyposis, type 4; Hereditary non-polyposis colorectal cancer, type 4. Identifiers: Orphanet 144, MedGen C1838333, MONDO:0013699, OMIM 614337. Disease mechanism: loss of function.

gnomAD v4.1: 1 of 1,594,000 alleles (0.000063%); no homozygotes.

Submissions (4):

Labcorp Genetics (formerly Invitae), Labcorp
Classification: Pathogenic for Hereditary nonpolyposis colorectal neoplasms. Last evaluated: 2025-09-22. Review status: criteria provided, single submitter. Criteria: Invitae Variant Classification Sherloc (09022015). Collection method: clinical testing. Allele origin: germline.
Comment: This sequence change creates a premature translational stop signal (p.Leu731*) in the PMS2 gene. It is expected to result in an absent or disrupted protein product. Loss-of-function variants in PMS2 are known to be pathogenic (PMID: 21376568, 24362816). The frequency data for this variant in the population databases (gnomAD) is considered unreliable due to the presence of homologous sequence, such as pseudogenes or paralogs, in the genome. This premature translational stop signal has been observed in individual(s) with Lynch syndrome and/or constitutional mismatch repair deficiency (PMID: 25430799, 26544533, 30013564). ClinVar contains an entry for this variant (Variation ID: 411015). For these reasons, this variant has been classified as Pathogenic.

Color Diagnostics, LLC DBA Color Health
Classification: Pathogenic for Hereditary cancer-predisposing syndrome. Last evaluated: 2025-02-19. Review status: criteria provided, single submitter. Criteria: ACMG Guidelines, 2015. Collection method: clinical testing. Allele origin: germline.
Comment: This variant changes 1 nucleotide in exon 13 of the PMS2 gene, creating a premature translation stop signal. This variant is expected to result in an absent or non-functional protein product. This variant has been observed homozygous in an individual affected with constitutional mismatch repair deficiency (PMID: 26544533, 30013564, 30740824, 36586540). This variant has also been reported in three unrelated Jewish families from Iran affected with Lynch syndrome (PMID: 25430799). This variant has not been identified in the general population by the Genome Aggregation Database (gnomAD). Loss of PMS2 function is a known mechanism of disease. Based on the available evidence, this variant is classified as Pathogenic.

Myriad Genetics, Inc.
Classification: Pathogenic for Lynch syndrome 4. Last evaluated: 2023-09-22. Review status: criteria provided, single submitter. Criteria: Myriad Autosomal Dominant, Autosomal Recessive and X-Linked Classification Criteria (2023). Collection method: clinical testing. Allele origin: unknown.
Comment: This variant is considered pathogenic. This variant creates a termination codon and is predicted to result in premature protein truncation.

GeneDx
Classification: Pathogenic. Last evaluated: 2017-10-20. Review status: criteria provided, single submitter. Criteria: GeneDx Variant Classification (06012015). Collection method: clinical testing. Allele origin: germline. Affected: yes.
Comment: This variant is denoted PMS2 c.2192T>G at the cDNA level and p.Leu731Ter (L731X) at the proteinlevel. The substitution creates a nonsense variant, which changes a Leucine to a premature stop codon (TTA>TGA),and is predicted to cause loss of normal protein function through either protein truncation or nonsense-mediated mRNAdecay. This variant has been reported in the homozygous state in at least one individual with constitutional mismatchrepair deficiency syndrome and others with personal/family history suspicious for Lynch syndrome (Goldberg 2014,Baris 2016). We consider this variant to be pathogenic

Literature cited by the submitters: PubMed 21376568 (cited by Labcorp Genetics (formerly Invitae), Labcorp); PubMed 24362816 (cited by Labcorp Genetics (formerly Invitae), Labcorp); PubMed 25430799 (cited by Labcorp Genetics (formerly Invitae), Labcorp and Color Diagnostics, LLC DBA Color Health); PubMed 26544533 (cited by Labcorp Genetics (formerly Invitae), Labcorp and Color Diagnostics, LLC DBA Color Health); PubMed 30013564 (cited by Labcorp Genetics (formerly Invitae), Labcorp and Color Diagnostics, LLC DBA Color Health); PubMed 30740824 (cited by Color Diagnostics, LLC DBA Color Health); PubMed 36586540 (cited by Color Diagnostics, LLC DBA Color Health).